The following is an entry in ClinVar:

NM_000179.3(MSH6):c.30C>T (p.Phe10=)

Gene: MSH6 (mutS homolog 6; plus strand). Cytogenetic location: 2p16.3.
Variant type: single nucleotide variant.
Coding change: c.30C>T on transcript NM_000179.3 (MANE Select); coding-DNA position 30, C replaced by T.
Protein change: p.Phe10=; no amino-acid change (phenylalanine 10 retained).
Molecular consequence: synonymous variant. On other transcripts: 5 prime UTR variant (1).
Genome position (GRCh38, 1-based): chr2:47,783,263, C>T. VCF-style: chr2-47783263-C-T. GRCh37 (hg19) VCF-style: chr2-48010402-C-T.
Other names: c.30C>T, p.Phe10= (NM_001281492.2); c.-707C>T (NM_001281493.2).
Identifiers: ClinVar variation 185320 (VCV000185320.19), dbSNP rs786201869, ClinGen allele CA011534.

ClinVar aggregate classification (germline): Benign/Likely benign. Review status: criteria provided, multiple submitters, no conflicts (2 of 4 stars). 4 submissions from 4 submitters: Benign (1); Likely benign (3). Last evaluated 2025-04-16.

Conditions:
Hereditary nonpolyposis colorectal neoplasms. Identifiers: MedGen C0009405, MeSH D003123.
Hereditary cancer-predisposing syndrome. Also called: Hereditary neoplastic syndrome; Neoplastic Syndromes, Hereditary; Tumor predisposition; Hereditary Cancer Syndrome. Identifiers: Orphanet 140162, MedGen C0027672, MeSH D009386, MONDO:0015356.
Lynch syndrome 5 (LYNCH5). Also called: Hereditary non-polyposis colorectal cancer, type 5; Colorectal cancer, hereditary nonpolyposis, type 5. Identifiers: Orphanet 144, MedGen C1833477, MONDO:0013710, OMIM 614350. Disease mechanism: loss of function.

gnomAD v4.1: 2 of 1,612,182 alleles (0.00012%); highest among the groups gnomAD compares: Non-Finnish European, 0.000085%; no homozygotes.

Submissions (4):

Labcorp Genetics (formerly Invitae), Labcorp
Classification: Likely benign for Hereditary nonpolyposis colorectal neoplasms. Last evaluated: 2025-04-16. Review status: criteria provided, single submitter. Criteria: Invitae Variant Classification Sherloc (09022015). Collection method: clinical testing. Allele origin: germline.

Myriad Genetics, Inc.
Classification: Benign for Lynch syndrome 5. Last evaluated: 2024-12-16. Review status: criteria provided, single submitter. Criteria: Myriad Autosomal Dominant, Autosomal Recessive and X-Linked Classification Criteria (2023). Collection method: clinical testing. Allele origin: unknown.
Comment: This variant is considered benign. This variant is a silent/synonymous amino acid change and it is not expected to impact splicing.

Color Diagnostics, LLC DBA Color Health
Classification: Likely benign for Hereditary cancer-predisposing syndrome. Last evaluated: 2019-04-09. Review status: criteria provided, single submitter. Criteria: ACMG Guidelines, 2015. Collection method: clinical testing. Allele origin: germline.

Ambry Genetics
Classification: Likely benign for Hereditary cancer-predisposing syndrome. Last evaluated: 2014-09-16. Review status: criteria provided, single submitter. Criteria: Ambry Variant Classification Scheme 2023. Collection method: clinical testing. Allele origin: germline.